The following is an entry in ClinVar:

NM_015412.4(RMP64):c.1005A>T (p.Gln335His)

Gene: RMP64 (ribonuclease MRP subunit p64; minus strand). Cytogenetic location: 3q13.2.
Variant type: single nucleotide variant.
Coding change: c.1005A>T on transcript NM_015412.4 (MANE Select); coding-DNA position 1005, A replaced by T.
Protein change: p.Gln335His; replaces glutamine 335 with histidine.
Molecular consequence: missense variant. On other transcripts: non-coding transcript variant (1).
Genome position (GRCh38, 1-based): chr3:113,008,401, T>A on the plus strand (A>T on the coding strand, the complement: RMP64 is on the minus strand). VCF-style: chr3-113008401-T-A. GRCh37 (hg19) VCF-style: chr3-112727248-T-A.
Other names: c.795A>T, p.Gln265His (NM_001319109.2); c.504A>T, p.Gln168His (NM_001319110.2); c.396A>T, p.Gln132His (NM_001319111.2); c.672A>T, p.Gln224His (NM_001319112.2); c.597A>T, p.Gln199His (NM_001319114.2); c.714A>T, p.Gln238His (NM_001319115.2); short protein forms Q238H, Q168H, Q199H, Q265H, Q132H, Q335H, Q224H.
Identifiers: ClinVar variation 5006520 (VCV005006520.2).
Genomic context (GRCh38, chr3:113,008,401, plus strand): 5'-TTTGGCATGAGGAGTTCCTATCACTTTCTGAGAAGAATACTTGGTTGTCTTTAGTCTGGA[T>A]TGAGAACATTTAAAATCAAAACTGGTCTCCTGAAACGTGGAAAGATGAGAAAAATATATT-3'
Protein context (NP_056227.2, residues 325-345): QETSFDFKCS[Gln335His]SRLKTTKYSS

ClinVar aggregate classification (germline): Uncertain significance (1 of 4 stars; one submission).

Conditions:
Anauxetic dysplasia 3. Identifiers: MedGen C5394289, MONDO:0030019, OMIM 618853.

Submission:

Juno Genomics, Hangzhou Juno Genomics, Inc
Classification: Uncertain significance for Anauxetic dysplasia 3. Review status: criteria provided, single submitter. Criteria: ACMG Guidelines, 2015. Collection method: clinical testing. Allele origin: germline.
Comment: Absent from controls (or at extremely low frequency if recessive) in Genome Aggregation Database.;Multiple lines of computational evidence support a deleterious effect on the gene or gene product.